The following is an entry in ClinVar:

NM_001164508.2(NEB):c.9915G>A (p.Trp3305Ter)

Gene: NEB (nebulin; minus strand). Cytogenetic location: 2q23.3.
Variant type: single nucleotide variant.
Coding change: c.9915G>A on transcript NM_001164508.2 (MANE Select); coding-DNA position 9915, G replaced by A.
Protein change: p.Trp3305Ter; replaces tryptophan 3305 with a stop codon.
Molecular consequence: nonsense.
Genome position (GRCh38, 1-based): chr2:151,627,751, C>T on the plus strand (G>A on the coding strand, the complement: NEB is on the minus strand). VCF-style: chr2-151627751-C-T. GRCh37 (hg19) VCF-style: chr2-152484265-C-T.
Other names: c.9915G>A, p.Trp3305Ter (NM_001164507.2, NM_001271208.2); c.9186G>A, p.Trp3062Ter (NM_004543.5); short protein forms W3062*, W3305*.
Identifiers: ClinVar variation 4814801 (VCV004814801.1).
Genomic context (GRCh38, chr2:151,627,751, plus strand): 5'-CCACTTCTCAAAGTCCTTCTTATACTCCCTGTCACTCTGGATCTTGGCCACATGCATGGA[C>T]CACATCATCTTGGGGTCATCTTCAATGTTCCGGGCTCCAATGTGGTGGCCGAGCTGCTTG-3'

ClinVar aggregate classification (germline): Likely pathogenic (1 of 4 stars; one submission).

Conditions:
Nemaline myopathy 2 (NEM2). Also called: Nemaline myopathy 2, autosomal recessive. Identifiers: MedGen C1850569, MONDO:0009725, OMIM 256030.

gnomAD v4.1: 1 of 1,613,928 alleles (0.000062%); no homozygotes.

Submission:

Natera, Inc.
Classification: Likely pathogenic for Nemaline myopathy type 2. Last evaluated: 2024-12-26. Review status: criteria provided, single submitter. Criteria: Natera Variant Classification Schema (03/2026). Collection method: clinical testing. Allele origin: germline.
Comment: The c.9915G>A variant in NEB is a nonsense variant predicted to introduce a stop codon at amino acid 3305. This variant is expected to result in nonsense mediated decay, truncation, or a dysfunctional protein product. This variant is rare in the general population with a frequency below the threshold expected for the associated phenotype(s). Given the available evidence, this variant is classified as Likely Pathogenic.